The following is an entry in ClinVar:

NM_001267550.2(TTN):c.57849T>C (p.Thr19283=)

Genes: TTN-AS1 (TTN antisense RNA 1; plus strand), TTN (titin; minus strand). Cytogenetic location: 2q31.2.
Variant type: single nucleotide variant.
Coding change: c.57849T>C on transcript NM_001267550.2 (MANE Select); coding-DNA position 57849, T replaced by C.
Protein change: p.Thr19283=; no amino-acid change (threonine 19283 retained).
Molecular consequence: synonymous variant.
Genome position (GRCh38, 1-based): chr2:178,594,645, A>G on the plus strand (T>C on the coding strand, the complement: TTN is on the minus strand). VCF-style: chr2-178594645-A-G. GRCh37 (hg19) VCF-style: chr2-179459372-A-G.
Other names: c.52926T>C, p.Thr17642= (NM_001256850.1); c.30654T>C, p.Thr10218= (NM_003319.4); c.50145T>C, p.Thr16715= (NM_133378.4); c.31029T>C, p.Thr10343= (NM_133432.3); c.31230T>C, p.Thr10410= (NM_133437.4).
Identifiers: ClinVar variation 413177 (VCV000413177.13), dbSNP rs989489157, ClinGen allele CA16610371.

ClinVar aggregate classification (germline): Likely benign. Review status: criteria provided, multiple submitters, no conflicts (2 of 4 stars). 3 submissions from 3 submitters: Likely benign (3). Last evaluated 2026-01-10.

Conditions:
Autosomal recessive limb-girdle muscular dystrophy type 2J (LGMDR10). Also called: Limb-girdle muscular dystrophy, type 2J; MUSCULAR DYSTROPHY, LIMB-GIRDLE, AUTOSOMAL RECESSIVE 10. Identifiers: Orphanet 140922, MedGen C1837342, MONDO:0012127, OMIM 608807.
Dilated cardiomyopathy 1G (CMD1G). Identifiers: Orphanet 154, MedGen C1858763, MONDO:0011400, OMIM 604145.
Cardiovascular phenotype. Identifiers: MedGen CN230736.

Allele frequency attached by ClinVar (database versions not stated): gnomAD 0.00001; gnomAD exomes 0.00001; TOPMed 0.00002.
gnomAD v4.1: 22 of 1,593,180 alleles (0.0014%); highest among the groups gnomAD compares: Non-Finnish European, 0.0017%; no homozygotes.

Submissions (3):

Labcorp Genetics (formerly Invitae), Labcorp
Classification: Likely benign for Dilated cardiomyopathy 1G; Autosomal recessive limb-girdle muscular dystrophy type 2J. Last evaluated: 2026-01-10. Review status: criteria provided, single submitter. Criteria: Invitae Variant Classification Sherloc (09022015). Collection method: clinical testing. Allele origin: germline.

Ambry Genetics
Classification: Likely benign for Cardiovascular phenotype. Last evaluated: 2023-05-03. Review status: criteria provided, single submitter. Criteria: Ambry Variant Classification Scheme 2023. Collection method: clinical testing. Allele origin: germline.

GeneDx
Classification: Likely benign. Last evaluated: 2017-12-12. Review status: criteria provided, single submitter. Criteria: GeneDx Variant Classification (06012015). Collection method: clinical testing. Allele origin: germline. Affected: yes.
Comment: This variant is considered likely benign or benign based on one or more of the following criteria: it is a conservative change, it occurs at a poorly conserved position in the protein, it is predicted to be benign by multiple in silico algorithms, and/or has population frequency not consistent with disease.